The following is an entry in ClinVar:

NM_021971.4(GMPPB):c.808C>T (p.Pro270Ser)

Gene: GMPPB (GDP-mannose pyrophosphorylase B; minus strand). Cytogenetic location: 3p21.31.
Variant type: single nucleotide variant.
Coding change: c.808C>T on transcript NM_021971.4 (MANE Select); coding-DNA position 808, C replaced by T.
Protein change: p.Pro270Ser; replaces proline 270 with serine.
Molecular consequence: missense variant.
Genome position (GRCh38, 1-based): chr3:49,722,108, G>A on the plus strand (C>T on the coding strand, the complement: GMPPB is on the minus strand). VCF-style: chr3-49722108-G-A. GRCh37 (hg19) VCF-style: chr3-49759541-G-A.
Other names: c.808C>T, p.Pro270Ser (NM_013334.4); short protein forms P270S.
Identifiers: ClinVar variation 4790678 (VCV004790678.1).

ClinVar aggregate classification (germline): Uncertain significance (1 of 4 stars; one submission).

Conditions:
Muscular dystrophy-dystroglycanopathy (congenital with impaired intellectual development), type B, 14. Also called: MUSCULAR DYSTROPHY, CONGENITAL, GMPPB-RELATED; Congenital muscular dystrophy-dystroglycanopathy with mental retardation, type B14; Muscular dystrophy-dystroglycanopathy (congenital with intellectual disability), type B14. Identifiers: MedGen C3809221, MONDO:0014141, OMIM 615351.
Muscular dystrophy-dystroglycanopathy (congenital with brain and eye anomalies), type A14. Also called: WALKER-WARBURG SYNDROME OR MUSCLE-EYE-BRAIN DISEASE, GMPPB-RELATED; Muscular dystrophy-dystroglycanopathy (congenital with brain and eye anomalies), type a, 14; Congenital Muscular Dystrophy-Dystroglycanopathy with Brain and Eye Anomalies Type A 14; Congenital muscular dystrophy-dystroglycanopathy with brain and eye anomalies, type A14. Identifiers: Orphanet 588, MedGen C3809216, MONDO:0014140, OMIM 615350.
Autosomal recessive limb-girdle muscular dystrophy type 2T. Also called: MUSCULAR DYSTROPHY-DYSTROGLYCANOPATHY, LIMB-GIRDLE, GMPPB-RELATED; MUSCULAR DYSTROPHY, LIMB-GIRDLE, TYPE 2T; Muscular dystrophy-dystroglycanopathy (limb-girdle), type c, 14; Limb-girdle muscular dystrophy-dystroglycanopathy, type C14. Identifiers: Orphanet 363623, MedGen C4518000, MONDO:0014142, OMIM 615352.

gnomAD v4.1: 7 of 1,613,358 alleles (0.00043%); highest among the groups gnomAD compares: Non-Finnish European, 0.00059%; no homozygotes.

Submission:

Labcorp Genetics (formerly Invitae), Labcorp
Classification: Uncertain significance for Autosomal recessive limb-girdle muscular dystrophy type 2T; Muscular dystrophy-dystroglycanopathy (congenital with brain and eye anomalies), type A14; Muscular dystrophy-dystroglycanopathy (congenital with impaired intellectual development), type B, 14. Last evaluated: 2025-10-03. Review status: criteria provided, single submitter. Criteria: Invitae Variant Classification Sherloc (09022015). Collection method: clinical testing. Allele origin: germline.
Comment: This sequence change replaces proline, which is neutral and non-polar, with serine, which is neutral and polar, at codon 270 of the GMPPB protein (p.Pro270Ser). This variant is not present in population databases (gnomAD no frequency). This variant has not been reported in the literature in individuals affected with GMPPB-related conditions. Invitae Evidence Modeling of protein sequence and biophysical properties (such as structural, functional, and spatial information, amino acid conservation, physicochemical variation, residue mobility, and thermodynamic stability) indicates that this missense variant is expected to disrupt GMPPB protein function with a positive predictive value of 80%. In summary, the available evidence is currently insufficient to determine the role of this variant in disease. Therefore, it has been classified as a Variant of Uncertain Significance.